The following is an entry in ClinVar:

ClinVar aggregate classification (germline): Conflicting classifications of pathogenicity. Review status: criteria provided, conflicting classifications (1 of 4 stars). 5 submissions from 5 submitters: Pathogenic (1); Likely pathogenic (2); Uncertain significance (1). 1 of the submissions does not count toward it. Last evaluated 2025-12-22.

Conditions:
Cardiovascular phenotype. Identifiers: MedGen CN230736.
Dilated cardiomyopathy 1G (CMD1G). Identifiers: Orphanet 154, MedGen C1858763, MONDO:0011400, OMIM 604145.
Autosomal recessive limb-girdle muscular dystrophy type 2J (LGMDR10). Also called: MUSCULAR DYSTROPHY, LIMB-GIRDLE, AUTOSOMAL RECESSIVE 10; Limb-girdle muscular dystrophy, type 2J. Identifiers: Orphanet 140922, MedGen C1837342, MONDO:0012127, OMIM 608807.

Allele frequency attached by ClinVar (database versions not stated): TOPMed below 0.00001; ExAC 0.00001; gnomAD exomes 0.00001; gnomAD 0.00001.
gnomAD v4.1: 2 of 1,600,382 alleles (0.00012%); highest among the groups gnomAD compares: African/African-American, 0.0013%; no homozygotes.

Submissions (5):

Ambry Genetics
Classification: Likely pathogenic for Cardiovascular phenotype. Last evaluated: 2025-12-22. Review status: criteria provided, single submitter. Criteria: Ambry Variant Classification Scheme 2023. Collection method: clinical testing. Allele origin: germline.
Comment: The c.26971C>T (p.R8991*) alteration, located in exon 108 (coding exon 107) of the TTN gene, consists of a C to T substitution at nucleotide position 26971. This changes the amino acid from an arginine (R) to a stop codon at amino acid position 8991. This variant is expected to result in loss of function by premature protein truncation or nonsense-mediated mRNA decay. Based on data from gnomAD, the T allele has an overall frequency of 0.001% (2/240104) total alleles studied. The highest observed frequency was 0.013% (2/15368) of African alleles. This exon is located in the A-band region of the N2-B isoform of the titin protein and is constitutively expressed in TTN transcripts (percent spliced in or PSI 100%). While truncating variants in TTN are present in 1-3% of the general population, truncating variants in the A-band are the most common cause of dilated cardiomyopathy (Herman, 2012; Roberts, 2015). TTN truncating variants encoded in constitutive exons (PSI >90%) have been found to be significantly associated with DCM regardless of their position in titin (Schafer, 2017; Akhtar, 2020; Massier, 2025). Based on the available evidence, this alteration is classified as likely pathogenic.

GeneDx
Classification: Pathogenic. Last evaluated: 2025-06-20. Review status: criteria provided, single submitter. Criteria: GeneDx Variant Classification Process June 2021. Collection method: clinical testing. Allele origin: germline. Affected: yes.
Comment: Identified in patients with cardiomyopathy in published literature and in patients referred for genetic testing at GeneDx (PMID: 25163546, 27813223, 31112426, 30847666, 33874732, 33106378); Not observed at significant frequency in large population cohorts (gnomAD); Nonsense variant predicted to result in protein truncation or nonsense mediated decay in a gene for which loss of function is a known mechanism of disease; Located in the A-band, a region of TTN for which truncating variants are significantly associated with autosomal dominant cardiomyopathy and also with autosomal recessive skeletal myopathies (PMID: 22335739, 32778822); This variant is associated with the following publications: (PMID: 29650543, 33106378, 27813223, 33874732, 31112426, 30847666, 38438525, 37937776, 25163546, 22335739, 32778822)

Labcorp Genetics (formerly Invitae), Labcorp
Classification: Likely pathogenic for Dilated cardiomyopathy 1G; Autosomal recessive limb-girdle muscular dystrophy type 2J. Last evaluated: 2025-04-11. Review status: criteria provided, single submitter. Criteria: Invitae Variant Classification Sherloc (09022015). Collection method: clinical testing. Allele origin: germline.
Comment: This sequence change creates a premature translational stop signal (p.Arg18056*) in the TTN gene. While this is not anticipated to result in nonsense mediated decay, it is expected to create a truncated TTN protein. This variant is present in population databases (rs768431507, gnomAD 0.01%). This premature translational stop signal has been observed in individual(s) with dilated cardiomyopathy (PMID: 25163546, 27813223, 29650543, 33874732, 37937776; internal data). This variant is also known as p.R9183X, R15488*. ClinVar contains an entry for this variant (Variation ID: 202509). This variant is located in the A band of TTN (PMID: 25589632). Truncating variants in this region are significantly overrepresented in patients affected with dilated cardiomyopathy (PMID: 25589632). Truncating variants in this region have also been reported in individuals affected with autosomal recessive centronuclear myopathy (PMID: 23975875). In summary, the currently available evidence indicates that the variant is pathogenic, but additional data are needed to prove that conclusively. Therefore, this variant has been classified as Likely Pathogenic.

Stanford Center for Inherited Cardiovascular Disease, Stanford University
Classification: Uncertain significance. Last evaluated: 2014-03-26. Review status: criteria provided, single submitter. Criteria: ACMG Guidelines, 2015. Collection method: provider interpretation. Allele origin: germline.

deCODE genetics, Amgen
Classification: Pathogenic for Dilated cardiomyopathy 1G. Last evaluated: 2023-07-21. Review status: no assertion criteria provided. Collection method: research. Allele origin: germline. Affected: yes. Observed: 10 variant alleles. Not counted in ClinVar's aggregate classification.
Comment: The variant NM_001267550.2:c.54166C>T (chr2:178605011) in TTN was detected in 6 heterozygotes out of 58K WGS Icelanders (MAF= 0,005%). This variant has been reported in ClinVar previously as pathogenic/likely pathogenic. Based on ACMG criteria (PVS1, PM2, PP5) this variant classifies as pathogenic.

Literature cited by the submitters: PubMed 22335739 (cited by Ambry Genetics); PubMed 25589632 (cited by Ambry Genetics and Labcorp Genetics (formerly Invitae), Labcorp); PubMed 27869827 (cited by Ambry Genetics); PubMed 32964742 (cited by Ambry Genetics); PubMed 39844436 (cited by Ambry Genetics); PubMed 25163546 (cited by Labcorp Genetics (formerly Invitae), Labcorp); PubMed 27813223 (cited by Labcorp Genetics (formerly Invitae), Labcorp); PubMed 29650543 (cited by Labcorp Genetics (formerly Invitae), Labcorp); PubMed 33874732 (cited by Labcorp Genetics (formerly Invitae), Labcorp); PubMed 37937776 (cited by Labcorp Genetics (formerly Invitae), Labcorp); PubMed 23975875 (cited by Labcorp Genetics (formerly Invitae), Labcorp).

NM_001267550.2(TTN):c.54166C>T (p.Arg18056Ter)

Genes: TTN (titin; minus strand), TTN-AS1 (TTN antisense RNA 1; plus strand). Cytogenetic location: 2q31.2.
Variant type: single nucleotide variant.
Coding change: c.54166C>T on transcript NM_001267550.2 (MANE Select); coding-DNA position 54166, C replaced by T.
Protein change: p.Arg18056Ter; replaces arginine 18056 with a stop codon.
Molecular consequence: nonsense. On other transcripts: non-coding transcript variant (1).
Genome position (GRCh38, 1-based): chr2:178,605,011, G>A on the plus strand (C>T on the coding strand, the complement: TTN is on the minus strand). VCF-style: chr2-178605011-G-A. GRCh37 (hg19) VCF-style: chr2-179469738-G-A.
Other names: p.R16415*:CGA>TGA; c.49243C>T, p.Arg16415Ter (NM_001256850.1); c.26971C>T, p.Arg8991Ter (NM_003319.4); c.46462C>T, p.Arg15488Ter (NM_133378.4); c.27346C>T, p.Arg9116Ter (NM_133432.3); c.27547C>T, p.Arg9183Ter (NM_133437.4); short protein forms R16415*, R18056*, R9116*, R9183*, R15488*, R8991*.
Identifiers: ClinVar variation 202509 (VCV000202509.37), dbSNP rs768431507, ClinGen allele CA309476.